The following is an entry in ClinVar:

ClinVar aggregate classification (germline): Uncertain significance (1 of 4 stars; one submission).

Submission:

Labcorp Genetics (formerly Invitae), Labcorp
Classification: Uncertain significance. Last evaluated: 2022-08-03. Review status: criteria provided, single submitter. Criteria: Invitae Variant Classification Sherloc (09022015). Collection method: clinical testing. Allele origin: germline.
Comment: This variant has not been reported in the literature in individuals affected with NTHL1-related conditions. This variant is not present in population databases (gnomAD no frequency). Algorithms developed to predict the effect of missense changes on protein structure and function output the following: SIFT: "Not Available"; PolyPhen-2: "Benign"; Align-GVGD: "Not Available". The glycine amino acid residue is found in multiple mammalian species, which suggests that this missense change does not adversely affect protein function. This sequence change replaces arginine, which is basic and polar, with glycine, which is neutral and non-polar, at codon 41 of the NTHL1 protein (p.Arg41Gly). In summary, the available evidence is currently insufficient to determine the role of this variant in disease. Therefore, it has been classified as a Variant of Uncertain Significance.

NM_002528.7(NTHL1):c.97A>G (p.Arg33Gly)

Gene: NTHL1 (nth like DNA glycosylase 1; minus strand). Cytogenetic location: 16p13.3.
Variant type: single nucleotide variant.
Coding change: c.97A>G on transcript NM_002528.7 (MANE Select); coding-DNA position 97, A replaced by G.
Protein change: p.Arg33Gly; replaces arginine 33 with glycine.
Molecular consequence: missense variant. On other transcripts: 5 prime UTR variant (1).
Genome position (GRCh38, 1-based): chr16:2,047,727, T>C on the plus strand (A>G on the coding strand, the complement: NTHL1 is on the minus strand). VCF-style: chr16-2047727-T-C. GRCh37 (hg19) VCF-style: chr16-2097728-T-C.
Other names: c.97A>G, p.Arg33Gly (NM_001318193.2); c.-82A>G (NM_001318194.2); short protein forms R33G.
Identifiers: ClinVar variation 1714946 (VCV001714946.5), dbSNP rs2548331011, ClinGen allele CA394298302.